The following is an entry in ClinVar:

ClinVar aggregate classification (germline): Uncertain significance (1 of 4 stars; one submission).

Submission:

Labcorp Genetics (formerly Invitae), Labcorp
Classification: Uncertain significance. Last evaluated: 2025-12-03. Review status: criteria provided, single submitter. Criteria: Invitae Variant Classification Sherloc (09022015). Collection method: clinical testing. Allele origin: germline.
Comment: This sequence change replaces lysine, which is basic and polar, with asparagine, which is neutral and polar, at codon 675 of the RP1 protein (p.Lys675Asn). This variant is not present in population databases (gnomAD no frequency). This variant has not been reported in the literature in individuals affected with RP1-related conditions. ClinVar contains an entry for this variant (Variation ID: 1005616). An algorithm developed to predict the effect of missense changes on protein structure and function (PolyPhen-2) suggests that this variant is likely to be tolerated. In summary, the available evidence is currently insufficient to determine the role of this variant in disease. Therefore, it has been classified as a Variant of Uncertain Significance.

NM_006269.2(RP1):c.2025A>T (p.Lys675Asn)

Gene: RP1 (RP1 axonemal microtubule associated; plus strand). Cytogenetic location: 8q12.1.
Variant type: single nucleotide variant.
Coding change: c.2025A>T on transcript NM_006269.2 (MANE Select); coding-DNA position 2025, A replaced by T.
Protein change: p.Lys675Asn; replaces lysine 675 with asparagine.
Molecular consequence: missense variant. On other transcripts: intron variant (1).
Genome position (GRCh38, 1-based): chr8:54,625,907, A>T. VCF-style: chr8-54625907-A-T. GRCh37 (hg19) VCF-style: chr8-55538467-A-T.
Other names: c.787+3619A>T (NM_001375654.1); short protein forms K675N.
Identifiers: ClinVar variation 1005616 (VCV001005616.8), dbSNP rs908032972, ClinGen allele CA370992566.